The following is an entry in ClinVar:

NM_001410764.1(FANCB):c.2487+7418C>G

Gene: FANCB (FA complementation group B; minus strand). Cytogenetic location: Xp22.2.
Variant type: single nucleotide variant.
Coding change: c.2487+7418C>G on transcript NM_001410764.1; 7418 bases into the intron after coding-DNA position 2487, C replaced by G.
Molecular consequence: intron variant.
Genome position (GRCh38, 1-based): chrX:14,836,242, G>C on the plus strand (C>G on the coding strand, the complement: FANCB is on the minus strand). VCF-style: chrX-14836242-G-C. GRCh37 (hg19) VCF-style: chrX-14854364-G-C.
Identifiers: ClinVar variation 3898473 (VCV003898473.7).
Genomic context (GRCh38, chrX:14,836,242, plus strand): 5'-ACTCTATGATTCCACTCACATGAAGTATCTAAAGTAGTCAAAATCATAGAAAGTAGAAAG[G>C]TGGTTGCCAAGAGCTGGTGGAAGAGAGAGAGGAAATTAACGCTCAATGGGTATAGAGTTT-3'

ClinVar aggregate classification (germline): Likely benign (1 of 4 stars; one submission).

Submission:

CeGaT Center for Human Genetics Tuebingen
Classification: Likely benign. Last evaluated: 2025-04-01. Review status: criteria provided, single submitter. Criteria: CeGaT Center For Human Genetics Tuebingen Variant Classification Criteria Version 2. Collection method: clinical testing. Allele origin: germline. Affected: yes. Observed: 1 variant allele.
Comment: FANCB: BS2